The following is an entry in ClinVar:

ClinVar aggregate classification (germline): Uncertain significance (1 of 4 stars; one submission).

Conditions:
Arrhythmogenic right ventricular dysplasia 5. Also called: Arrhythmogenic Right Ventricular Dysplasia/Cardiomyopathy 5; ARRHYTHMOGENIC RIGHT VENTRICULAR DYSPLASIA, FAMILIAL, 5. Identifiers: MedGen C1858379, MONDO:0011459, OMIM 604400.

gnomAD v4.1: 1 of 1,614,056 alleles (0.000062%); highest among the groups gnomAD compares: Non-Finnish European, 0.000085%; no homozygotes.

Submission:

Labcorp Genetics (formerly Invitae), Labcorp
Classification: Uncertain significance for Arrhythmogenic right ventricular dysplasia 5. Last evaluated: 2025-08-22. Review status: criteria provided, single submitter. Criteria: Invitae Variant Classification Sherloc (09022015). Collection method: clinical testing. Allele origin: germline.
Comment: This sequence change replaces serine, which is neutral and polar, with proline, which is neutral and non-polar, at codon 21 of the TMEM43 protein (p.Ser21Pro). This variant is not present in population databases (gnomAD no frequency). This variant has not been reported in the literature in individuals affected with TMEM43-related conditions. An algorithm developed to predict the effect of missense changes on protein structure and function outputs the following: PolyPhen-2: "Benign". The proline amino acid residue is found in multiple mammalian species, which suggests that this missense change does not adversely affect protein function. In summary, the available evidence is currently insufficient to determine the role of this variant in disease. Therefore, it has been classified as a Variant of Uncertain Significance.

NM_024334.3(TMEM43):c.61T>C (p.Ser21Pro)

Gene: TMEM43 (transmembrane protein 43; plus strand). Cytogenetic location: 3p25.1.
Variant type: single nucleotide variant.
Coding change: c.61T>C on transcript NM_024334.3 (MANE Select); coding-DNA position 61, T replaced by C.
Protein change: p.Ser21Pro; replaces serine 21 with proline.
Molecular consequence: missense variant. On other transcripts: intron variant (1).
Genome position (GRCh38, 1-based): chr3:14,129,460, T>C. VCF-style: chr3-14129460-T-C. GRCh37 (hg19) VCF-style: chr3-14170960-T-C.
Other names: c.61T>C, p.Ser21Pro (NM_001407274.1, NM_001407275.1, NM_001407276.1 and 3 more transcripts); c.13-1362T>C (NM_001407280.1); short protein forms S21P.
Identifiers: ClinVar variation 4776251 (VCV004776251.1).
Genomic context (GRCh38, chr3:14,129,460, plus strand): 5'-CTTTTTCTTCAGTATTCCAGTACCAGTACCCGGAGAGAACATGTCAAAGTTAAAACCAGC[T>C]CCCAGCCAGGCTTCCTGGAACGGCTGAGCGAGACCTCGGGTGGGATGTTTGTGGGGCTCA-3'
Protein context (NP_077310.1, residues 11-31): RREHVKVKTS[Ser21Pro]QPGFLERLSE